The following is an entry in ClinVar:

NM_022168.4(IFIH1):c.1281_1292del (p.Glu428_Gly431del)

Gene: IFIH1 (interferon induced with helicase C domain 1; minus strand). Cytogenetic location: 2q24.2.
Variant type: Deletion.
Coding change: c.1281_1292del on transcript NM_022168.4 (MANE Select); coding-DNA positions 1281 to 1292, 12 bases deleted (AGAAGATGCTGG).
Protein change: p.Glu428_Gly431del.
Genome position (GRCh38, 1-based): chr2:162,282,380-162,282,391, CCAGCATCTTCT deleted on the plus strand (AGAAGATGCTGG on the coding strand, the reverse complement: IFIH1 is on the minus strand); deleting any 12 consecutive bases within chr2:162,282,380-162,282,394 gives the same sequence; the c. name uses the placement nearest the transcript's 3' end. VCF-style (leftmost placement, unchanged base first): chr2-162282379-ACCAGCATCTTCT-A. GRCh37 (hg19) VCF-style: chr2-163138889-ACCAGCATCTTCT-A.
Identifiers: ClinVar variation 4793911 (VCV004793911.1).

ClinVar aggregate classification (germline): Uncertain significance (1 of 4 stars; one submission).

Conditions:
Aicardi-Goutieres syndrome 7 (AGS7). Identifiers: Orphanet 51, MedGen C3888244, MONDO:0014367, OMIM 615846.
Singleton-Merten syndrome 1 (SGMRT1). Also called: Widened medullary cavities of bone, aortic calcification, abnormal dentition, and muscular weakness; Syndrome of widened medullary cavities of the metacarpals and phalanges, aortic calcification and abnormal dentition. Identifiers: Orphanet 85191, MedGen C4225427, MONDO:0024535, OMIM 182250.

Submission:

Labcorp Genetics (formerly Invitae), Labcorp
Classification: Uncertain significance for Aicardi-Goutieres syndrome 7; Singleton-Merten syndrome 1. Last evaluated: 2025-04-11. Review status: criteria provided, single submitter. Criteria: Invitae Variant Classification Sherloc (09022015). Collection method: clinical testing. Allele origin: germline.
Comment: This variant, c.1281_1292del, results in the deletion of 4 amino acid(s) of the IFIH1 protein (p.Glu428_Gly431del), but otherwise preserves the integrity of the reading frame. This variant is not present in population databases (gnomAD no frequency). This variant has not been reported in the literature in individuals affected with IFIH1-related conditions. Experimental studies and prediction algorithms are not available or were not evaluated, and the functional significance of this variant is currently unknown. In summary, the available evidence is currently insufficient to determine the role of this variant in disease. Therefore, it has been classified as a Variant of Uncertain Significance.